The following is an entry in ClinVar:

NM_000292.3(PHKA2):c.2597+1G>A

Gene: PHKA2 (phosphorylase kinase regulatory subunit alpha 2; minus strand). Cytogenetic location: Xp22.13.
Variant type: single nucleotide variant.
Coding change: c.2597+1G>A on transcript NM_000292.3 (MANE Select); the canonical splice donor site of the intron after coding-DNA position 2597, G replaced by A.
Molecular consequence: splice donor variant.
Genome position (GRCh38, 1-based): chrX:18,907,017, C>T on the plus strand (G>A on the coding strand, the complement: PHKA2 is on the minus strand). VCF-style: chrX-18907017-C-T. GRCh37 (hg19) VCF-style: chrX-18925135-C-T.
Identifiers: ClinVar variation 566477 (VCV000566477.16), dbSNP rs1210626722, ClinGen allele CA412383011.

ClinVar aggregate classification (germline): Pathogenic/Likely pathogenic. Review status: criteria provided, multiple submitters, no conflicts (2 of 4 stars). 2 submissions from 2 submitters: Pathogenic (1); Likely pathogenic (1). Last evaluated 2026-06-01.

Conditions:
Glycogen storage disease IXa1. Also called: LIVER GLYCOGENOSIS, X-LINKED, TYPE I; GLYCOGEN STORAGE DISEASE VIII; GSD VIII; Glycogen storage disease 8. Identifiers: Orphanet 264580, MedGen C3694531, MONDO:0010598, OMIM 306000.

Submissions (2):

CeGaT Center for Human Genetics Tuebingen
Classification: Pathogenic. Last evaluated: 2026-06-01. Review status: criteria provided, single submitter. Criteria: CeGaT Center For Human Genetics Tuebingen Variant Classification Criteria Version 2. Collection method: clinical testing. Allele origin: germline. Affected: yes. Observed: 2 variant alleles.
Comment: PHKA2: PVS1, PM2

Labcorp Genetics (formerly Invitae), Labcorp
Classification: Likely pathogenic for Glycogen storage disease IXa1. Last evaluated: 2024-12-15. Review status: criteria provided, single submitter. Criteria: Invitae Variant Classification Sherloc (09022015). Collection method: clinical testing. Allele origin: germline.
Comment: This sequence change affects a donor splice site in intron 23 of the PHKA2 gene. It is expected to disrupt RNA splicing. Variants that disrupt the donor or acceptor splice site typically lead to a loss of protein function (PMID: 16199547), and loss-of-function variants in PHKA2 are known to be pathogenic (PMID: 7711737, 10330341). This variant is not present in population databases (gnomAD no frequency). This variant has not been reported in the literature in individuals affected with PHKA2-related conditions. ClinVar contains an entry for this variant (Variation ID: 566477). Algorithms developed to predict the effect of sequence changes on RNA splicing suggest that this variant may disrupt the consensus splice site. In summary, the currently available evidence indicates that the variant is pathogenic, but additional data are needed to prove that conclusively. Therefore, this variant has been classified as Likely Pathogenic.

Literature cited by the submitters: PubMed 16199547 (cited by Labcorp Genetics (formerly Invitae), Labcorp); PubMed 7711737 (cited by Labcorp Genetics (formerly Invitae), Labcorp); PubMed 10330341 (cited by Labcorp Genetics (formerly Invitae), Labcorp).